The following is an entry in ClinVar:

ClinVar aggregate classification (germline): Uncertain significance (1 of 4 stars; one submission).

Submission:

Labcorp Genetics (formerly Invitae), Labcorp
Classification: Uncertain significance. Last evaluated: 2020-06-27. Review status: criteria provided, single submitter. Criteria: Invitae Variant Classification Sherloc (09022015). Collection method: clinical testing. Allele origin: germline.
Comment: In summary, the available evidence is currently insufficient to determine the role of this variant in disease. Therefore, it has been classified as a Variant of Uncertain Significance. Experimental studies and prediction algorithms are not available or were not evaluated, and the functional significance of this variant is currently unknown. This variant has been observed in individual(s) with hypophosphatemic rickets (PMID: 10737991, Invitae). This variant is not present in population databases (ExAC no frequency). This variant, c.1020_1022del, results in the deletion of 1 amino acid(s) of the PHEX protein (p.Val341del), but otherwise preserves the integrity of the reading frame.

Literature cited by the submitters: PubMed 10737991.

NM_000444.6(PHEX):c.1017GGT[1] (p.Val341del)

Gene: PHEX (phosphate regulating endopeptidase X-linked; plus strand). Cytogenetic location: Xp22.11.
Variant type: Microsatellite.
Coding change: c.1017GGT[1] on transcript NM_000444.6 (MANE Select); one copy of the 3-base unit GGT starting at c.1017; the reference has two copies in a row; one copy, 3 bases deleted.
Protein change: p.Val341del; deletes valine 341.
Molecular consequence: inframe deletion.
Genome position (GRCh38, 1-based): chrX:22,099,092-22,099,094, GGT deleted; deleting any 3 consecutive bases within chrX:22,099,087-22,099,094 gives the same sequence; the position shown is the placement nearest the transcript's 3' end. VCF-style (leftmost placement, unchanged base first): chrX-22099086-TGTG-T. GRCh37 (hg19) VCF-style: chrX-22117204-TGTG-T.
Other names: c.1017GGT[1], p.Val341del (NM_001282754.2); short protein forms V341del.
Identifiers: ClinVar variation 1026765 (VCV001026765.8), dbSNP rs1930299982, ClinGen allele CA2419169455.